The following is an entry in ClinVar:

NM_000215.4(JAK3):c.1631T>C (p.Val544Ala)

Gene: JAK3 (Janus kinase 3; minus strand). Cytogenetic location: 19p13.11.
Variant type: single nucleotide variant.
Coding change: c.1631T>C on transcript NM_000215.4 (MANE Select); coding-DNA position 1631, T replaced by C.
Protein change: p.Val544Ala; replaces valine 544 with alanine.
Molecular consequence: missense variant.
Genome position (GRCh38, 1-based): chr19:17,838,002, A>G on the plus strand (T>C on the coding strand, the complement: JAK3 is on the minus strand). VCF-style: chr19-17838002-A-G. GRCh37 (hg19) VCF-style: chr19-17948811-A-G.
Other names: short protein forms V544A.
Identifiers: ClinVar variation 648146 (VCV000648146.6), dbSNP rs1367182709, ClinGen allele CA404769491.
Genomic context (GRCh38, chr19:17,838,002, plus strand): 5'-TTCTTGTGCTTGGCATCCATGACCTTCAGCAGCACCTCTGTCTTTCGGGCCTCCCCATCC[A>G]CCACCTCATGGCGACAGCCCCGGTAAATCTTGGTGAAGGACCCATGGCCCAGGTTCTCAT-3'
Protein context (NP_000206.2, residues 534-554): KIYRGCRHEV[Val544Ala]DGEARKTEVL

ClinVar aggregate classification (germline): Uncertain significance (1 of 4 stars; one submission).

Conditions:
T-B+ severe combined immunodeficiency due to JAK3 deficiency. Also called: SCID, autosomal recessive, T-negative/B-positive type; SCID, T CELL-NEGATIVE, B CELL-POSITIVE, NK CELL-NEGATIVE. Identifiers: Orphanet 35078, MedGen C1833275, MONDO:0010938, OMIM 600802.

Allele frequency attached by ClinVar (database versions not stated): gnomAD 0.00001; gnomAD exomes 0.00001; TOPMed 0.00001.
gnomAD v4.1: 11 of 1,613,672 alleles (0.00068%); highest among the groups gnomAD compares: Admixed American, 0.005%; no homozygotes.

Submission:

Labcorp Genetics (formerly Invitae), Labcorp
Classification: Uncertain significance for T-B+ severe combined immunodeficiency due to JAK3 deficiency. Last evaluated: 2022-07-17. Review status: criteria provided, single submitter. Criteria: Invitae Variant Classification Sherloc (09022015). Collection method: clinical testing. Allele origin: germline.
Comment: This sequence change replaces valine, which is neutral and non-polar, with alanine, which is neutral and non-polar, at codon 544 of the JAK3 protein (p.Val544Ala). This variant is present in population databases (no rsID available, gnomAD 0.006%). This variant has not been reported in the literature in individuals affected with JAK3-related conditions. ClinVar contains an entry for this variant (Variation ID: 648146). Advanced modeling of protein sequence and biophysical properties (such as structural, functional, and spatial information, amino acid conservation, physicochemical variation, residue mobility, and thermodynamic stability) performed at Invitae indicates that this missense variant is not expected to disrupt JAK3 protein function. In summary, the available evidence is currently insufficient to determine the role of this variant in disease. Therefore, it has been classified as a Variant of Uncertain Significance.